The following is an entry in ClinVar:

NM_130468.4(CHST14):c.78T>C (p.Pro26=)

Genes: CHST14 (carbohydrate sulfotransferase 14; plus strand), LOC130056851 (ATAC-STARR-seq lymphoblastoid silent region 6336; plus strand). Cytogenetic location: 15q15.1.
Variant type: single nucleotide variant.
Coding change: c.78T>C on transcript NM_130468.4 (MANE Select); coding-DNA position 78, T replaced by C.
Protein change: p.Pro26=; no amino-acid change (proline 26 retained).
Molecular consequence: synonymous variant.
Genome position (GRCh38, 1-based): chr15:40,471,291, T>C. VCF-style: chr15-40471291-T-C. GRCh37 (hg19) VCF-style: chr15-40763490-T-C.
Identifiers: ClinVar variation 2447077 (VCV002447077.3), dbSNP rs1035955777, ClinGen allele CA268822089.
Genomic context (GRCh38, chr15:40,471,291, plus strand): 5'-GACCCCGCTGGCGGCCCCAAATGGCGCCGAGCCCCTGGGCCGGGCGCTGAGGCGGGCCCC[T>C]CTGGGCAGGGCCCGGGCGGGGCTGGGTGGGCCGCCCCTGCTGCTGCCGTCCATGCTGATG-3'
Protein context (NP_569735.1, residues 16-36): EPLGRALRRA[Pro26=]LGRARAGLGG

ClinVar aggregate classification (germline): Conflicting classifications of pathogenicity. Review status: criteria provided, conflicting classifications (1 of 4 stars). 2 submissions from 2 submitters: Uncertain significance (1); Likely benign (1). Last evaluated 2025-04-27.

Conditions:
Ehlers-Danlos syndrome, musculocontractural type (EDSMC). Also called: Adducted thumb, clubfoot, progressive joint and skin laxity syndrome; DUNDAR SYNDROME; ADDUCTED THUMB-CLUBFOOT SYNDROME; ARTHROGRYPOSIS, DISTAL, WITH PECULIAR FACIES AND HYDRONEPHROSIS. Identifiers: Orphanet 2953, MedGen C1866294, MONDO:0011142.
Cardiovascular phenotype. Identifiers: MedGen CN230736.

Submissions (2):

Labcorp Genetics (formerly Invitae), Labcorp
Classification: Uncertain significance for Ehlers-Danlos syndrome, musculocontractural type. Last evaluated: 2025-04-27. Review status: criteria provided, single submitter. Criteria: Invitae Variant Classification Sherloc (09022015). Collection method: clinical testing. Allele origin: germline.
Comment: This sequence change affects codon 26 of the CHST14 mRNA. It is a 'silent' change, meaning that it does not change the encoded amino acid sequence of the CHST14 protein. This variant is present in population databases (no rsID available, gnomAD 0.009%). This variant has not been reported in the literature in individuals affected with CHST14-related conditions. ClinVar contains an entry for this variant (Variation ID: 2447077). In summary, the available evidence is currently insufficient to determine the role of this variant in disease. Therefore, it has been classified as a Variant of Uncertain Significance.

Ambry Genetics
Classification: Likely benign for Cardiovascular phenotype. Last evaluated: 2023-02-23. Review status: criteria provided, single submitter. Criteria: Ambry Variant Classification Scheme 2023. Collection method: clinical testing. Allele origin: germline.